The following is an entry in ClinVar:

NM_001166108.2(PALLD):c.695G>A (p.Arg232Lys)

Gene: PALLD (palladin, cytoskeletal associated protein; plus strand). Cytogenetic location: 4q32.3.
Variant type: single nucleotide variant.
Coding change: c.695G>A on transcript NM_001166108.2 (MANE Select); coding-DNA position 695, G replaced by A.
Protein change: p.Arg232Lys; replaces arginine 232 with lysine.
Molecular consequence: missense variant.
Genome position (GRCh38, 1-based): chr4:168,512,199, G>A. VCF-style: chr4-168512199-G-A. GRCh37 (hg19) VCF-style: chr4-169433350-G-A.
Other names: c.695G>A, p.Arg232Lys (NM_016081.4); short protein forms R232K.
Identifiers: ClinVar variation 3304099 (VCV003304099.1).
Genomic context (GRCh38, chr4:168,512,199, plus strand): 5'-CAGCCCTGCTGAGTGCCTCAGCCAGCCAGAGCCCTATGGAAGACCAAGGGGAGATGGAAA[G>A]AGAGGTCAAGTCCCCTGGGGCCAGGCATTGCTACCAGGACAACCAGGACTTGGCAGTGCC-3'
Protein context (NP_001159580.1, residues 222-242): SPMEDQGEME[Arg232Lys]EVKSPGARHC

ClinVar aggregate classification (germline): Uncertain significance (1 of 4 stars; one submission).

Submission:

Ambry Genetics
Classification: Uncertain significance. Last evaluated: 2024-05-24. Review status: criteria provided, single submitter. Criteria: Ambry Variant Classification Scheme 2023. Collection method: clinical testing. Allele origin: germline.
Comment: The p.R232K variant (also known as c.695G>A), located in coding exon 1 of the PALLD gene, results from a G to A substitution at nucleotide position 695. The arginine at codon 232 is replaced by lysine, an amino acid with highly similar properties. This amino acid position is conserved. In addition, this alteration is predicted to be tolerated by in silico analysis. Based on the available evidence, the clinical significance of this variant remains unclear.